The following is an entry in ClinVar:

NM_024301.5(FKRP):c.161G>A (p.Arg54Gln)

Gene: FKRP (fukutin related protein; plus strand). Cytogenetic location: 19q13.32.
Variant type: single nucleotide variant.
Coding change: c.161G>A on transcript NM_024301.5 (MANE Select); coding-DNA position 161, G replaced by A.
Protein change: p.Arg54Gln; replaces arginine 54 with glutamine.
Molecular consequence: missense variant.
Genome position (GRCh38, 1-based): chr19:46,755,611, G>A. VCF-style: chr19-46755611-G-A. GRCh37 (hg19) VCF-style: chr19-47258868-G-A.
Other names: c.161G>A, p.Arg54Gln (NM_001039885.3); short protein forms R54Q.
Identifiers: ClinVar variation 1524557 (VCV001524557.8), dbSNP rs2122609879, ClinGen allele CA406494776.
Genomic context (GRCh38, chr19:46,755,611, plus strand): 5'-CCCGGGCCCGGGGGCCCCGTCGTGCCTCTGCTGCCGGCCCCCGTGTCACCGTCCTGGTGC[G>A]GGAGTTCGAGGCATTTGACAACGCGGTGCCCGAGCTGGTAGACTCCTTCCTGCAGCAAGA-3'
Protein context (NP_077277.1, residues 44-64): AAGPRVTVLV[Arg54Gln]EFEAFDNAVP

ClinVar aggregate classification (germline): Likely pathogenic (1 of 4 stars; one submission).

Conditions:
Walker-Warburg congenital muscular dystrophy. Also called: Muscular dystrophy-dystroglycanopathy, type A; Walker-Warburg syndrome. Identifiers: Orphanet 899, MedGen C0265221, MONDO:0000171.

Submission:

Labcorp Genetics (formerly Invitae), Labcorp
Classification: Likely pathogenic for Walker-Warburg congenital muscular dystrophy. Last evaluated: 2022-03-29. Review status: criteria provided, single submitter. Criteria: Invitae Variant Classification Sherloc (09022015). Collection method: clinical testing. Allele origin: germline.
Comment: This sequence change replaces arginine, which is basic and polar, with glutamine, which is neutral and polar, at codon 54 of the FKRP protein (p.Arg54Gln). This variant is not present in population databases (gnomAD no frequency). This missense change has been observed in individual(s) with limb-girdle muscular dystrophy (PMID: 33200426). Advanced modeling of protein sequence and biophysical properties (such as structural, functional, and spatial information, amino acid conservation, physicochemical variation, residue mobility, and thermodynamic stability) performed at Invitae indicates that this missense variant is expected to disrupt FKRP protein function. Algorithms developed to predict the effect of sequence changes on RNA splicing suggest that this variant may create or strengthen a splice site. This variant disrupts the p.Arg54 amino acid residue in FKRP. Other variant(s) that disrupt this residue have been determined to be pathogenic (PMID: 14523375, 30003095). This suggests that this residue is clinically significant, and that variants that disrupt this residue are likely to be disease-causing. In summary, the currently available evidence indicates that the variant is pathogenic, but additional data are needed to prove that conclusively. Therefore, this variant has been classified as Likely Pathogenic.

Literature cited by the submitters: PubMed 33200426; PubMed 14523375; PubMed 30003095.